The following is an entry in ClinVar:

NM_206933.4(USH2A):c.11684G>C (p.Gly3895Ala)

Gene: USH2A (usherin; minus strand). Cytogenetic location: 1q41.
Variant type: single nucleotide variant.
Coding change: c.11684G>C on transcript NM_206933.4 (MANE Select); coding-DNA position 11684, G replaced by C.
Protein change: p.Gly3895Ala; replaces glycine 3895 with alanine.
Molecular consequence: missense variant.
Genome position (GRCh38, 1-based): chr1:215,741,402, C>G on the plus strand (G>C on the coding strand, the complement: USH2A is on the minus strand). VCF-style: chr1-215741402-C-G. GRCh37 (hg19) VCF-style: chr1-215914744-C-G.
Other names: short protein forms G3895A.
Identifiers: ClinVar variation 1481742 (VCV001481742.8), dbSNP rs1472714005, ClinGen allele CA344833314.

ClinVar aggregate classification (germline): Uncertain significance (1 of 4 stars; one submission).

Submission:

Labcorp Genetics (formerly Invitae), Labcorp
Classification: Uncertain significance. Last evaluated: 2021-02-17. Review status: criteria provided, single submitter. Criteria: Invitae Variant Classification Sherloc (09022015). Collection method: clinical testing. Allele origin: germline.
Comment: This variant disrupts the p.Gly3895 amino acid residue in USH2A. Other variant(s) that disrupt this residue have been observed in individuals with USH2A-related conditions (PMID: 17405132), which suggests that this may be a clinically significant amino acid residue. This sequence change replaces glycine with alanine at codon 3895 of the USH2A protein (p.Gly3895Ala). The glycine residue is highly conserved and there is a small physicochemical difference between glycine and alanine. This variant is not present in population databases (ExAC no frequency). This variant has been observed in individual(s) with clinical features of USH2A- related conditions (Invitae). Algorithms developed to predict the effect of missense changes on protein structure and function (SIFT, PolyPhen-2, Align-GVGD) all suggest that this variant is likely to be disruptive, but these predictions have not been confirmed by published functional studies and their clinical significance is uncertain. In summary, the available evidence is currently insufficient to determine the role of this variant in disease. Therefore, it has been classified as a Variant of Uncertain Significance.

Literature cited by the submitters: PubMed 17405132.